The following is an entry in ClinVar:

NM_002470.4(MYH3):c.4798A>C (p.Ser1600Arg)

Gene: MYH3 (myosin heavy chain 3; minus strand). Cytogenetic location: 17p13.1.
Variant type: single nucleotide variant.
Coding change: c.4798A>C on transcript NM_002470.4 (MANE Select); coding-DNA position 4798, A replaced by C.
Protein change: p.Ser1600Arg; replaces serine 1600 with arginine.
Molecular consequence: missense variant.
Genome position (GRCh38, 1-based): chr17:10,632,634, T>G on the plus strand (A>C on the coding strand, the complement: MYH3 is on the minus strand). VCF-style: chr17-10632634-T-G. GRCh37 (hg19) VCF-style: chr17-10535951-T-G.
Other names: short protein forms S1600R.
Identifiers: ClinVar variation 4800667 (VCV004800667.1).

ClinVar aggregate classification (germline): Uncertain significance (1 of 4 stars; one submission).

Submission:

Labcorp Genetics (formerly Invitae), Labcorp
Classification: Uncertain significance. Last evaluated: 2025-07-28. Review status: criteria provided, single submitter. Criteria: Invitae Variant Classification Sherloc (09022015). Collection method: clinical testing. Allele origin: germline.
Comment: This sequence change replaces serine, which is neutral and polar, with arginine, which is basic and polar, at codon 1600 of the MYH3 protein (p.Ser1600Arg). This variant is not present in population databases (gnomAD no frequency). This variant has not been reported in the literature in individuals affected with MYH3-related conditions. Invitae Evidence Modeling of protein sequence and biophysical properties (such as structural, functional, and spatial information, amino acid conservation, physicochemical variation, residue mobility, and thermodynamic stability) indicates that this missense variant is not expected to disrupt MYH3 protein function with a negative predictive value of 95%. In summary, the available evidence is currently insufficient to determine the role of this variant in disease. Therefore, it has been classified as a Variant of Uncertain Significance.